The following is an entry in ClinVar:

NM_001848.3(COL6A1):c.839A>G (p.Lys280Arg)

Gene: COL6A1 (collagen type VI alpha 1 chain; plus strand). Cytogenetic location: 21q22.3.
Variant type: single nucleotide variant.
Coding change: c.839A>G on transcript NM_001848.3 (MANE Select); coding-DNA position 839, A replaced by G.
Protein change: p.Lys280Arg; replaces lysine 280 with arginine.
Molecular consequence: missense variant.
Genome position (GRCh38, 1-based): chr21:45,989,118, A>G. VCF-style: chr21-45989118-A-G. GRCh37 (hg19) VCF-style: chr21-47409032-A-G.
Other names: short protein forms K280R.
Identifiers: ClinVar variation 4717253 (VCV004717253.1).

ClinVar aggregate classification (germline): Uncertain significance (1 of 4 stars; one submission).

Conditions:
Bethlem myopathy 1A. Also called: MYOPATHY, BENIGN CONGENITAL, WITH CONTRACTURES; Bethlem myopathy 1; Bethlem Muscular Dystrophy. Identifiers: Orphanet 610, MedGen CN029274, MONDO:0024530, OMIM 158810.

Submission:

Labcorp Genetics (formerly Invitae), Labcorp
Classification: Uncertain significance for Bethlem myopathy 1A. Last evaluated: 2025-07-02. Review status: criteria provided, single submitter. Criteria: Invitae Variant Classification Sherloc (09022015). Collection method: clinical testing. Allele origin: germline.
Comment: This sequence change replaces lysine, which is basic and polar, with arginine, which is basic and polar, at codon 280 of the COL6A1 protein (p.Lys280Arg). This variant is not present in population databases (gnomAD no frequency). This variant has not been reported in the literature in individuals affected with COL6A1-related conditions. Invitae Evidence Modeling of protein sequence and biophysical properties (such as structural, functional, and spatial information, amino acid conservation, physicochemical variation, residue mobility, and thermodynamic stability) indicates that this missense variant is not expected to disrupt COL6A1 protein function with a negative predictive value of 80%. In summary, the available evidence is currently insufficient to determine the role of this variant in disease. Therefore, it has been classified as a Variant of Uncertain Significance.